The following is an entry in ClinVar:

NM_000059.4(BRCA2):c.7181G>A (p.Arg2394Lys)

Gene: BRCA2 (BRCA2 DNA repair associated; plus strand). Cytogenetic location: 13q13.1.
Variant type: single nucleotide variant.
Coding change: c.7181G>A on transcript NM_000059.4 (MANE Select); coding-DNA position 7181, G replaced by A.
Protein change: p.Arg2394Lys; replaces arginine 2394 with lysine.
Molecular consequence: missense variant. On other transcripts: non-coding transcript variant (1).
Genome position (GRCh38, 1-based): chr13:32,355,034, G>A. VCF-style: chr13-32355034-G-A. GRCh37 (hg19) VCF-style: chr13-32929171-G-A.
Other names: c.7085G>A, p.Arg2362Lys (NM_001406719.1); c.7181G>A, p.Arg2394Lys (NM_001406720.1); c.2249G>A, p.Arg750Lys (NM_001406721.1); c.764G>A, p.Arg255Lys (NM_001406722.1); short protein forms R2362K, R2394K, R255K, R750K.
Identifiers: ClinVar variation 2707428 (VCV002707428.3), dbSNP rs2137556651, ClinGen allele CA387739589.

ClinVar aggregate classification (germline): Uncertain significance (1 of 4 stars; one submission).

Conditions:
Hereditary breast ovarian cancer syndrome. Also called: Hereditary breast and/or ovarian cancer syndrome; Hereditary breast and ovarian cancer syndrome (HBOC); Breast and ovarian cancer; Hereditary breast and ovarian cancer syndrome; Hereditary breast and ovarian cancer; BRCA1- and BRCA2-Associated Hereditary Breast and Ovarian Cancer. Identifiers: Orphanet 145, MedGen C0677776, MeSH D061325, MONDO:0003582. Disease mechanism: loss of function.

Submission:

Labcorp Genetics (formerly Invitae), Labcorp
Classification: Uncertain significance for Hereditary breast ovarian cancer syndrome. Last evaluated: 2024-01-04. Review status: criteria provided, single submitter. Criteria: Invitae Variant Classification Sherloc (09022015). Collection method: clinical testing. Allele origin: germline.
Comment: This sequence change replaces arginine, which is basic and polar, with lysine, which is basic and polar, at codon 2394 of the BRCA2 protein (p.Arg2394Lys). This variant is not present in population databases (gnomAD no frequency). This variant has not been reported in the literature in individuals affected with BRCA2-related conditions. Advanced modeling of protein sequence and biophysical properties (such as structural, functional, and spatial information, amino acid conservation, physicochemical variation, residue mobility, and thermodynamic stability) performed at Invitae indicates that this missense variant is not expected to disrupt BRCA2 protein function with a negative predictive value of 95%. In summary, the available evidence is currently insufficient to determine the role of this variant in disease. Therefore, it has been classified as a Variant of Uncertain Significance.